The following is an entry in ClinVar:

ClinVar aggregate classification (germline): Pathogenic (1 of 4 stars; one submission).

Conditions:
Mowat-Wilson syndrome (MOWS). Also called: Classic Mowat-Wilson Syndrome. Identifiers: Orphanet 2152, MedGen C1856113, MONDO:0009341, OMIM 235730.

Submission:

GeneDx
Classification: Pathogenic for Mowat-Wilson Syndrome: Autosomal dominant inheritence. Last evaluated: 2014-06-03. Review status: criteria provided, single submitter. Criteria: GeneDx Variant Classification (06012015). Collection method: clinical testing. Allele origin: germline. Affected: yes.
Comment: This mutation is known as c.2228_2229delCT at the cDNA level and p.Ser743TyrfsX12 (S743YfsX12) at the protein level; it is in exon 8 of the ZEB2 gene (NM_014795.3). The normal sequence with the bases that are deleted in braces is: CCAT{CT}ATAG. The c.2228_2229delCT mutation in the ZEB2 gene causes a frameshift starting with codon Serine 743, changes this amino acid to a Tyrosine residue and creates a premature Stop codon at position 12 of the new reading frame, denoted p.Ser743TyrfsX12. This mutation is predicted to cause loss of normal protein function either through protein truncation or nonsense-mediated mRNA decay. Although this mutation has not been previously reported to our knowledge, its presence is consistent with the diagnosis of Mowat-Wilson Syndrome, an autosomal dominant disorder. The variant is found in EPILEPSY panel(s).

NM_014795.4(ZEB2):c.2228_2229del (p.Ser743fs)

Gene: ZEB2 (zinc finger E-box binding homeobox 2; minus strand). Cytogenetic location: 2q22.3.
Variant type: Deletion.
Coding change: c.2228_2229del on transcript NM_014795.4 (MANE Select); coding-DNA positions 2228 to 2229, 2 bases deleted (CT; older notation c.2228_2229delCT).
Protein change: p.Ser743fs; shifts the reading frame from serine 743.
Molecular consequence: frameshift variant.
Genome position (GRCh38, 1-based): chr2:144,398,958-144,398,959, AG deleted on the plus strand (CT on the coding strand, the reverse complement: ZEB2 is on the minus strand); deleting any 2 consecutive bases within chr2:144,398,958-144,398,960 gives the same sequence; the c. name uses the placement nearest the transcript's 3' end. VCF-style (leftmost placement, unchanged base first): chr2-144398957-TAG-T. GRCh37 (hg19) VCF-style: chr2-145156524-TAG-T.
Other names: c.2156_2157del, p.Ser719fs (NM_001171653.2); short protein forms S719fs, S743fs.
Identifiers: ClinVar variation 181754 (VCV000181754.1), dbSNP rs730881211, ClinGen allele CA297631.